The following is an entry in ClinVar:

NM_005720.4(ARPC1B):c.988_989delinsCC (p.Ser330Pro)

Gene: ARPC1B (actin related protein 2/3 complex subunit 1B; plus strand). Cytogenetic location: 7q22.1.
Variant type: Indel.
Coding change: c.988_989delinsCC on transcript NM_005720.4 (MANE Select); coding-DNA positions 988 to 989, AG replaced by CC.
Protein change: p.Ser330Pro; replaces serine 330 with proline.
Molecular consequence: missense variant.
Genome position (GRCh38, 1-based): chr7:99,392,875-99,392,876, AG replaced by CC. VCF-style: chr7-99392875-AG-CC. GRCh37 (hg19) VCF-style: chr7-98990498-AG-CC.
Other names: short protein forms S330P.
Identifiers: ClinVar variation 1998518 (VCV001998518.4), dbSNP rs2484649214, ClinGen allele CA2580077977.

ClinVar aggregate classification (germline): Uncertain significance (1 of 4 stars; one submission).

Submission:

Labcorp Genetics (formerly Invitae), Labcorp
Classification: Uncertain significance. Last evaluated: 2022-10-18. Review status: criteria provided, single submitter. Criteria: Invitae Variant Classification Sherloc (09022015). Collection method: clinical testing. Allele origin: germline.
Comment: In summary, the available evidence is currently insufficient to determine the role of this variant in disease. Therefore, it has been classified as a Variant of Uncertain Significance. Variants that disrupt the consensus splice site are a relatively common cause of aberrant splicing (PMID: 17576681, 9536098). Experimental studies and prediction algorithms are not available or were not evaluated, and the effect of this variant on mRNA splicing is currently unknown. Algorithms developed to predict the effect of missense changes on protein structure and function are either unavailable or do not agree on the potential impact of this missense change (SIFT: "Not Available"; PolyPhen-2: "Possibly Damaging"; Align-GVGD: "Not Available"). This variant has not been reported in the literature in individuals affected with ARPC1B-related conditions. Information on the frequency of this variant in the gnomAD database is not available, as this variant may be reported differently in the database. This sequence change replaces serine, which is neutral and polar, with proline, which is neutral and non-polar, at codon 330 of the ARPC1B protein (p.Ser330Pro). This variant also falls at the last nucleotide of exon 8, which is part of the consensus splice site for this exon.

Literature cited by the submitters: PubMed 17576681; PubMed 9536098.